The following is an entry in ClinVar:

NM_001244008.2(KIF1A):c.440T>A (p.Met147Lys)

Gene: KIF1A (kinesin family member 1A; minus strand). Cytogenetic location: 2q37.3.
Variant type: single nucleotide variant.
Coding change: c.440T>A on transcript NM_001244008.2 (MANE Select); coding-DNA position 440, T replaced by A.
Protein change: p.Met147Lys; replaces methionine 147 with lysine.
Molecular consequence: missense variant.
Genome position (GRCh38, 1-based): chr2:240,786,503, A>T on the plus strand (T>A on the coding strand, the complement: KIF1A is on the minus strand). VCF-style: chr2-240786503-A-T. GRCh37 (hg19) VCF-style: chr2-241725920-A-T.
Other names: c.440T>A, p.Met147Lys (NM_001320705.2, NM_001330289.2, NM_001330290.2 and 20 more transcripts); short protein forms M147K.
Identifiers: ClinVar variation 661378 (VCV000661378.9), dbSNP rs1369791205, ClinGen allele CA351307179.
Genomic context (GRCh38, chr2:240,786,503, plus strand): 5'-CGAAGGTTGCCCTTGTTCTTGGGGTTCAGGAGGTCACGGACGCGCTCACAGTAAATCTCC[A>T]TGTAGCTGACCTGCAGGGCAGAGCCAGGCCATCAGGGGCCCCTGAGGCGAGGGAGTGGGG-3'
Protein context (NP_001230937.1, residues 137-157): NMSYSVEVSY[Met147Lys]EIYCERVRDL

ClinVar aggregate classification (germline): Uncertain significance (1 of 4 stars; one submission).

Conditions:
Hereditary spastic paraplegia 30. Identifiers: Orphanet 101010, MedGen C5235139, MONDO:0012476.
Intellectual disability, autosomal dominant 9 (NESCAVS). Also called: NESCAV SYNDROME; KIF1A-Related Neurodevelopmental Disorder. Identifiers: Orphanet 662367, MedGen C5393830, MONDO:0013656, OMIM 614255.
Neuropathy, hereditary sensory, type 2C. Also called: Hereditary sensory and autonomic neuropathy type IIC; KIF1A-Related HSAN2 (HSAN2C). Identifiers: Orphanet 970, MedGen C3280168, MONDO:0013634, OMIM 614213.

Allele frequency attached by ClinVar (database versions not stated): TOPMed below 0.00001; gnomAD 0.00001.

Submission:

Labcorp Genetics (formerly Invitae), Labcorp
Classification: Uncertain significance for Hereditary spastic paraplegia 30; Neuropathy, hereditary sensory, type 2C; Intellectual disability, autosomal dominant 9. Last evaluated: 2018-12-22. Review status: criteria provided, single submitter. Criteria: Invitae Variant Classification Sherloc (09022015). Collection method: clinical testing. Allele origin: germline.
Comment: This sequence change replaces methionine with lysine at codon 147 of the KIF1A protein (p.Met147Lys). The methionine residue is highly conserved and there is a moderate physicochemical difference between methionine and lysine. This variant is not present in population databases (ExAC no frequency). This variant has not been reported in the literature in individuals with KIF1A-related conditions. Algorithms developed to predict the effect of missense changes on protein structure and function are either unavailable or do not agree on the potential impact of this missense change (SIFT: "Deleterious"; PolyPhen-2: "Probably Damaging"; Align-GVGD: "Class C0"). In summary, the available evidence is currently insufficient to determine the role of this variant in disease. Therefore, it has been classified as a Variant of Uncertain Significance.